The following is an entry in ClinVar:

NM_004999.4(MYO6):c.1748C>T (p.Ala583Val)

Gene: MYO6 (myosin VI; plus strand). Cytogenetic location: 6q14.1.
Variant type: single nucleotide variant.
Coding change: c.1748C>T on transcript NM_004999.4 (MANE Select); coding-DNA position 1748, C replaced by T.
Protein change: p.Ala583Val; replaces alanine 583 with valine.
Molecular consequence: missense variant. On other transcripts: non-coding transcript variant (1).
Genome position (GRCh38, 1-based): chr6:75,866,599, C>T. VCF-style: chr6-75866599-C-T. GRCh37 (hg19) VCF-style: chr6-76576316-C-T.
Other names: c.1748C>T, p.Ala583Val (NM_001300899.2, NM_001368136.1, NM_001368137.1 and 2 more transcripts); c.1733C>T, p.Ala578Val (NM_001368138.1); short protein forms A583V, A578V.
Identifiers: ClinVar variation 517639 (VCV000517639.8), dbSNP rs766684928, ClinGen allele CA3897193.

ClinVar aggregate classification (germline): Uncertain significance. Review status: criteria provided, multiple submitters, no conflicts (2 of 4 stars). 4 submissions from 4 submitters: Uncertain significance (4). Last evaluated 2024-12-10.

Conditions:
MYO6-related disorder. Also called: MYO6-related condition; MYO6-related disorders.

Allele frequency attached by ClinVar (database versions not stated): gnomAD exomes 0.00003 and 0.00008; TOPMed 0.00004; ExAC 0.00005; gnomAD 0.00006.
gnomAD v4.1: 57 of 1,613,602 alleles (0.0035%); highest among the groups gnomAD compares: Middle Eastern, 0.016%; no homozygotes.

Submissions (4):

PreventionGenetics, part of Exact Sciences
Classification: Uncertain significance for MYO6-related condition. Last evaluated: 2024-12-10. Review status: criteria provided, single submitter. Criteria: ACMG Guidelines, 2015. Collection method: clinical testing. Allele origin: germline.
Comment: The MYO6 c.1748C>T variant is predicted to result in the amino acid substitution p.Ala583Val. To our knowledge, this variant has not been reported in the literature. This variant is reported in 0.036% of alleles in individuals of European (Finnish) descent in gnomAD. At this time, the clinical significance of this variant is uncertain due to the absence of conclusive functional and genetic evidence.

Labcorp Genetics (formerly Invitae), Labcorp
Classification: Uncertain significance. Last evaluated: 2024-11-14. Review status: criteria provided, single submitter. Criteria: Invitae Variant Classification Sherloc (09022015). Collection method: clinical testing. Allele origin: germline.
Comment: This sequence change replaces alanine, which is neutral and non-polar, with valine, which is neutral and non-polar, at codon 583 of the MYO6 protein (p.Ala583Val). This variant is present in population databases (rs766684928, gnomAD 0.03%). This variant has not been reported in the literature in individuals affected with MYO6-related conditions. ClinVar contains an entry for this variant (Variation ID: 517639). Invitae Evidence Modeling of protein sequence and biophysical properties (such as structural, functional, and spatial information, amino acid conservation, physicochemical variation, residue mobility, and thermodynamic stability) indicates that this missense variant is expected to disrupt MYO6 protein function with a positive predictive value of 80%. In summary, the available evidence is currently insufficient to determine the role of this variant in disease. Therefore, it has been classified as a Variant of Uncertain Significance.

Blueprint Genetics
Classification: Uncertain significance. Last evaluated: 2023-09-14. Review status: criteria provided, single submitter. Criteria: ACMG Guidelines, 2015. Collection method: clinical testing. Allele origin: germline.

Laboratory for Molecular Medicine, Mass General Brigham Personalized Medicine
Classification: Uncertain significance. Last evaluated: 2017-11-13. Review status: criteria provided, single submitter. Criteria: LMM Criteria. Collection method: clinical testing. Allele origin: germline. Observed: 2 variant alleles.
Comment: The p.Ala583Val variant in MYO6 has not been previously reported in individuals hearing loss, but has been identified in 23/277166 total chromosomes by the Geno me Aggregation Database (gnomAD; dbSNP rs76668 4928). Although this variant has been seen in the general population, its freque ncy is not high enough to rule out a pathogenic role. Computational prediction t ools and conservation analyses suggest that this variant may impact the protein, though this information is not predictive enough to determine pathogenicity. In summary, the clinical significance of the p.Ala583Val variant is uncertain. ACM G/AMP Criteria applied: PP3.